The following is an entry in ClinVar:

NM_002204.4(ITGA3):c.2778C>T (p.Asn926=)

Gene: ITGA3 (integrin subunit alpha 3; plus strand). Cytogenetic location: 17q21.33.
Variant type: single nucleotide variant.
Coding change: c.2778C>T on transcript NM_002204.4 (MANE Select); coding-DNA position 2778, C replaced by T.
Protein change: p.Asn926=; no amino-acid change (asparagine 926 retained).
Molecular consequence: synonymous variant.
Genome position (GRCh38, 1-based): chr17:50,080,333, C>T. VCF-style: chr17-50080333-C-T. GRCh37 (hg19) VCF-style: chr17-48157697-C-T.
Other names: c.2778C>T (NM_002204.3).
Identifiers: ClinVar variation 2189934 (VCV002189934.6), dbSNP rs530445034, ClinGen allele CA8642034.
Genomic context (GRCh38, chr17:50,080,333, plus strand): 5'-AGGGCGTGCCCACTGTGTGTGGCTAGAGTGCCCCATCCCTGATGCCCCCGTTGTCACCAA[C>T]GTGACTGTGAAGGCACGAGTGTGGAACAGCACCTTCATCGAGGTCAGTGCCTGGGTCTGA-3'
Protein context (NP_002195.1, residues 916-936): CPIPDAPVVT[Asn926=]VTVKARVWNS

ClinVar aggregate classification (germline): Conflicting classifications of pathogenicity. Review status: criteria provided, conflicting classifications (1 of 4 stars). 3 submissions from 3 submitters: Uncertain significance (1); Likely benign (2). Last evaluated 2025-12-01.

Conditions:
ITGA3-related disorder. Also called: ITGA3-related condition.
Epidermolysis bullosa, junctional 7, with interstitial lung disease and nephrotic syndrome. Also called: Interstitial Lung Disease with Nephrotic Syndrome and Epidermolysis Bullosa; Interstitial lung disease, nephrotic syndrome, and epidermolysis bullosa, congenital. Identifiers: Orphanet 306504, MedGen C4518785, MONDO:0013881, OMIM 614748.

Allele frequency attached by ClinVar (database versions not stated): ExAC 0.00003; TOPMed 0.00004; gnomAD 0.00007; 1000 Genomes Project 30x 0.00016; 1000 Genomes Project 0.00020.
gnomAD v4.1: 118 of 1,613,484 alleles (0.0073%); highest among the groups gnomAD compares: Non-Finnish European, 0.0089%; no homozygotes.

Submissions (3):

PreventionGenetics, part of Exact Sciences
Classification: Likely benign for ITGA3-related condition. Last evaluated: 2025-12-01. Review status: criteria provided, single submitter. Criteria: ACMG Guidelines, 2015. Collection method: clinical testing. Allele origin: germline.
Comment: This variant is classified as likely benign based on ACMG/AMP sequence variant interpretation guidelines (Richards et al. 2015 PMID: 25741868, with internal and published modifications).

Fulgent Genetics
Classification: Uncertain significance for Epidermolysis bullosa, junctional 7, with interstitial lung disease and nephrotic syndrome. Last evaluated: 2024-03-13. Review status: criteria provided, single submitter. Criteria: ACMG Guidelines, 2015. Collection method: clinical testing. Allele origin: germline.

Labcorp Genetics (formerly Invitae), Labcorp
Classification: Likely benign. Last evaluated: 2022-08-29. Review status: criteria provided, single submitter. Criteria: Invitae Variant Classification Sherloc (09022015). Collection method: clinical testing. Allele origin: germline.